The following is an entry in ClinVar:

ClinVar aggregate classification (germline): Uncertain significance (1 of 4 stars; one submission).

Allele frequency attached by ClinVar (database versions not stated): gnomAD exomes below 0.00001.
gnomAD v4.1: 1 of 1,613,888 alleles (0.000062%); highest among the groups gnomAD compares: South Asian, 0.0011%; no homozygotes.

Submission:

Labcorp Genetics (formerly Invitae), Labcorp
Classification: Uncertain significance. Last evaluated: 2023-09-09. Review status: criteria provided, single submitter. Criteria: Invitae Variant Classification Sherloc (09022015). Collection method: clinical testing. Allele origin: germline.
Comment: This sequence change replaces cysteine, which is neutral and slightly polar, with tyrosine, which is neutral and polar, at codon 22 of the NEK2 protein (p.Cys22Tyr). This variant is not present in population databases (gnomAD no frequency). This variant has not been reported in the literature in individuals affected with NEK2-related conditions. An algorithm developed to predict the effect of missense changes on protein structure and function (PolyPhen-2) suggests that this variant is likely to be disruptive. In summary, the available evidence is currently insufficient to determine the role of this variant in disease. Therefore, it has been classified as a Variant of Uncertain Significance.

NM_002497.4(NEK2):c.65G>A (p.Cys22Tyr)

Genes: NEK2 (NIMA related kinase 2; minus strand), LOC129932452 (ATAC-STARR-seq lymphoblastoid active region 2489; plus strand). Cytogenetic location: 1q32.3.
Variant type: single nucleotide variant.
Coding change: c.65G>A on transcript NM_002497.4 (MANE Select); coding-DNA position 65, G replaced by A.
Protein change: p.Cys22Tyr; replaces cysteine 22 with tyrosine.
Molecular consequence: missense variant.
Genome position (GRCh38, 1-based): chr1:211,675,415, C>T on the plus strand (G>A on the coding strand, the complement: NEK2 is on the minus strand). VCF-style: chr1-211675415-C-T. GRCh37 (hg19) VCF-style: chr1-211848757-C-T.
Other names: c.65G>A, p.Cys22Tyr (NM_001204182.2, NM_001204183.2); short protein forms C22Y.
Identifiers: ClinVar variation 2812430 (VCV002812430.3), dbSNP rs2464408802, ClinGen allele CA344786820.